The following is an entry in ClinVar:

NM_000238.4(KCNH2):c.331G>A (p.Asp111Asn)

Gene: KCNH2 (potassium voltage-gated channel subfamily H member 2; minus strand). Cytogenetic location: 7q36.1.
Variant type: single nucleotide variant.
Coding change: c.331G>A on transcript NM_000238.4 (MANE Select); coding-DNA position 331, G replaced by A.
Protein change: p.Asp111Asn; replaces aspartic acid 111 with asparagine.
Molecular consequence: missense variant.
Genome position (GRCh38, 1-based): chr7:150,959,713, C>T on the plus strand (G>A on the coding strand, the complement: KCNH2 is on the minus strand). VCF-style: chr7-150959713-C-T. GRCh37 (hg19) VCF-style: chr7-150656801-C-T.
Other names: c.43G>A, p.Asp15Asn (NM_001406753.1, NM_001406756.1); c.154G>A, p.Asp52Asn (NM_001406755.1); c.31G>A, p.Asp11Asn (NM_001406757.1); c.331G>A, p.Asp111Asn (NM_172056.3); short protein forms D111N, D11N, D15N, D52N.
Identifiers: ClinVar variation 921508 (VCV000921508.8), dbSNP rs1801502139, ClinGen allele CA369863881.
Genomic context (GRCh38, chr7:150,959,713, plus strand): 5'-CCTCGAAATTGAGGATGAACATGATGACAGCCCCATCCTCGTTCTTCACGGGCACCACAT[C>T]CACCAGACATAGGAAGCAGCTCCCTGCAGAGTGGGAGGACATAGCCCCCTTGGCACCCAC-3'
Protein context (NP_000229.1, residues 101-121): KDGSCFLCLV[Asp111Asn]VVPVKNEDGA

ClinVar aggregate classification (germline): Uncertain significance (1 of 4 stars; one submission).

Conditions:
Cardiac arrhythmia. Also called: Cardiac rhythm disease; Arrhythmia. Identifiers: MedGen C0003811, MONDO:0007263, HP:0011675.

Submission:

Color Diagnostics, LLC DBA Color Health
Classification: Uncertain significance for Cardiac arrhythmia. Last evaluated: 2023-12-04. Review status: criteria provided, single submitter. Criteria: ACMG Guidelines, 2015. Collection method: clinical testing. Allele origin: germline.
Comment: This missense variant replaces aspartic acid with asparagine at codon 111 of the KCNH2 protein. Computational prediction tools and conservation analyses are inconclusive regarding the impact of this variant on protein structure and function. Splice site prediction tools suggest that this variant may not impact RNA splicing. To our knowledge, functional studies have not been performed for this variant. This variant has not been reported in individuals affected with cardiovascular disorders in the literature. This variant has not been identified in the general population by the Genome Aggregation Database (gnomAD). The available evidence is insufficient to determine the role of this variant in disease conclusively. Therefore, this variant is classified as a Variant of Uncertain Significance.